The following is an entry in ClinVar:

NM_003482.4(KMT2D):c.13736T>C (p.Phe4579Ser)

Gene: KMT2D (lysine methyltransferase 2D; minus strand). Cytogenetic location: 12q13.12.
Variant type: single nucleotide variant.
Coding change: c.13736T>C on transcript NM_003482.4 (MANE Select); coding-DNA position 13736, T replaced by C.
Protein change: p.Phe4579Ser; replaces phenylalanine 4579 with serine.
Molecular consequence: missense variant.
Genome position (GRCh38, 1-based): chr12:49,030,704, A>G on the plus strand (T>C on the coding strand, the complement: KMT2D is on the minus strand). VCF-style: chr12-49030704-A-G. GRCh37 (hg19) VCF-style: chr12-49424487-A-G.
Other names: short protein forms F4579S.
Identifiers: ClinVar variation 1307593 (VCV001307593.8), dbSNP rs376335760, ClinGen allele CA6545912.

ClinVar aggregate classification (germline): Uncertain significance. Review status: criteria provided, multiple submitters, no conflicts (2 of 4 stars). 3 submissions from 3 submitters: Uncertain significance (3). Last evaluated 2026-04-27.

Conditions:
Kabuki syndrome. Also called: NIIKAWA-KUROKI SYNDROME; Kabuki make-up syndrome. Identifiers: Orphanet 2322, MedGen C0796004, MONDO:0016512.
KMT2D-related disorder. Also called: KMT2D-Related Disorders.

Allele frequency attached by ClinVar (database versions not stated): ExAC 0.00001; gnomAD 0.00001; TOPMed 0.00001; ESP Exome Variant Server 0.00008.
gnomAD v4.1: 20 of 1,613,528 alleles (0.0012%); highest among the groups gnomAD compares: Non-Finnish European, 0.0016%; no homozygotes.

Submissions (3):

PreventionGenetics, part of Exact Sciences
Classification: Uncertain significance for KMT2D-related condition. Last evaluated: 2026-04-27. Review status: criteria provided, single submitter. Criteria: ACMG Guidelines, 2015. Collection method: clinical testing. Allele origin: germline.
Comment: The KMT2D c.13736T>C variant is predicted to result in the amino acid substitution p.Phe4579Ser. To our knowledge, this variant has not been reported in the literature or in a large population database, indicating this variant is rare. At this time, the clinical significance of this variant is uncertain due to the absence of conclusive functional and genetic evidence.

Labcorp Genetics (formerly Invitae), Labcorp
Classification: Uncertain significance for Kabuki syndrome. Last evaluated: 2025-03-30. Review status: criteria provided, single submitter. Criteria: Invitae Variant Classification Sherloc (09022015). Collection method: clinical testing. Allele origin: germline.
Comment: This sequence change replaces phenylalanine, which is neutral and non-polar, with serine, which is neutral and polar, at codon 4579 of the KMT2D protein (p.Phe4579Ser). This variant is present in population databases (rs376335760, gnomAD 0.0009%). This variant has not been reported in the literature in individuals affected with KMT2D-related conditions. ClinVar contains an entry for this variant (Variation ID: 1307593). Invitae Evidence Modeling of protein sequence and biophysical properties (such as structural, functional, and spatial information, amino acid conservation, physicochemical variation, residue mobility, and thermodynamic stability) indicates that this missense variant is not expected to disrupt KMT2D protein function with a negative predictive value of 95%. In summary, the available evidence is currently insufficient to determine the role of this variant in disease. Therefore, it has been classified as a Variant of Uncertain Significance.

GeneDx
Classification: Uncertain significance. Last evaluated: 2019-08-08. Review status: criteria provided, single submitter. Criteria: GeneDx Variant Classification Process June 2021. Collection method: clinical testing. Allele origin: germline. Affected: yes.
Comment: In silico analysis, which includes protein predictors and evolutionary conservation, supports a deleterious effect; Has not been previously published as pathogenic or benign to our knowledge